The following is an entry in ClinVar:

NM_022095.4(ZNF335):c.1783-9C>T

Gene: ZNF335 (zinc finger protein 335; minus strand). Cytogenetic location: 20q13.12.
Variant type: single nucleotide variant.
Coding change: c.1783-9C>T on transcript NM_022095.4 (MANE Select); 9 bases into the intron before coding-DNA position 1783, C replaced by T.
Molecular consequence: intron variant.
Genome position (GRCh38, 1-based): chr20:45,960,534, G>A on the plus strand (C>T on the coding strand, the complement: ZNF335 is on the minus strand). VCF-style: chr20-45960534-G-A. GRCh37 (hg19) VCF-style: chr20-44589173-G-A.
Identifiers: ClinVar variation 3046463 (VCV003046463.4), dbSNP rs1481591820, ClinGen allele CA636176344.

ClinVar aggregate classification (germline): Likely benign. Review status: criteria provided, multiple submitters, no conflicts (2 of 4 stars). 3 submissions from 3 submitters: Likely benign (2). 1 of the submissions does not count toward it. Last evaluated 2024-05-09.

Conditions:
ZNF335-related disorder. Also called: ZNF335-related condition.

Allele frequency attached by ClinVar (database versions not stated): gnomAD 0.00001.
gnomAD v4.1: 5 of 1,613,812 alleles (0.00031%); highest among the groups gnomAD compares: Admixed American, 0.0067%; no homozygotes.

Submissions (3):

Women's Health and Genetics/Laboratory Corporation of America, LabCorp
Classification: Likely benign. Last evaluated: 2024-05-09. Review status: criteria provided, single submitter. Criteria: LabCorp Variant Classification Summary - May 2015. Collection method: clinical testing. Allele origin: germline.
Comment: Variant summary: ZNF335 c.1783-9C>T alters a non-conserved nucleotide located at a position not widely known to affect splicing. Consensus agreement among computation tools predict no significant impact on normal splicing. However, these predictions have yet to be confirmed by functional studies. The variant allele was found at a frequency of 1.2e-05 in 251432 control chromosomes. The available data on variant occurrences in the general population are insufficient to allow any conclusion about variant significance. To our knowledge, no occurrence of c.1783-9C>T in individuals affected with Microcephalic Primordial Dwarfism Due To ZNF335 Deficiency and no experimental evidence demonstrating its impact on protein function have been reported. ClinVar contains an entry for this variant (Variation ID: 3046463). Based on the evidence outlined above, the variant was classified as likely benign.

Blueprint Genetics
Classification: Likely benign. Last evaluated: 2022-12-21. Review status: criteria provided, single submitter. Criteria: ACMG Guidelines, 2015. Collection method: clinical testing. Allele origin: germline.

PreventionGenetics, part of Exact Sciences
Classification: Likely benign for ZNF335-related condition. Last evaluated: 2022-06-28. Review status: no assertion criteria provided. Collection method: clinical testing. Allele origin: germline. Not counted in ClinVar's aggregate classification.
Comment: This variant is classified as likely benign based on ACMG/AMP sequence variant interpretation guidelines (Richards et al. 2015 PMID: 25741868, with internal and published modifications).